The following is an entry in ClinVar:

ClinVar aggregate classification (germline): Likely pathogenic. Review status: criteria provided, multiple submitters, no conflicts (2 of 4 stars). 4 submissions from 4 submitters: Likely pathogenic (3). 1 of the submissions does not count toward it. Last evaluated 2025-03-20.

Conditions:
Polycystic kidney disease, adult type (PKD1). Also called: POLYCYSTIC KIDNEY DISEASE 1 WITH OR WITHOUT POLYCYSTIC LIVER DISEASE; Polycystic Kidney Disease 1, Autosomal Dominant; Polycystic kidney disease 1; Polycystic kidney disease 1, severe; Polycystic Kidney, Autosomal Dominant; POLYCYSTIC KIDNEY DISEASE, ADULT, TYPE I. Identifiers: MedGen C3149841, MONDO:0008263, OMIM 173900.
PKD1-related disorder. Also called: PKD1-related condition.

Submissions (4):

GeneDx
Classification: Likely pathogenic. Last evaluated: 2025-03-20. Review status: criteria provided, single submitter. Criteria: GeneDx Variant Classification Process June 2021. Collection method: clinical testing. Allele origin: germline. Affected: yes.
Comment: Not observed at significant frequency in large population cohorts (gnomAD); In silico analysis supports that this missense variant has a deleterious effect on protein structure/function; This variant is associated with the following publications: (PMID: 38324470, 37468838, 27835667)

Genetics and Molecular Pathology, SA Pathology
Classification: Likely pathogenic for Polycystic kidney disease, adult type. Last evaluated: 2021-07-07. Review status: criteria provided, single submitter. Criteria: ACMG Guidelines, 2015. Collection method: clinical testing. Allele origin: germline. Inheritance: Autosomal dominant inheritance.

Clinical Genetics Service, Universitary Hospital 12 de Octubre
Classification: Likely pathogenic for Polycystic kidney disease, adult type. Review status: criteria provided, single submitter. Criteria: ACMG Guidelines, 2015. Collection method: clinical testing. Allele origin: germline. Affected: yes.

PreventionGenetics, part of Exact Sciences
Classification: Likely pathogenic for PKD1-related condition. Last evaluated: 2024-02-27. Review status: no assertion criteria provided. Collection method: clinical testing. Allele origin: germline. Not counted in ClinVar's aggregate classification.
Comment: The PKD1 c.11257C>G variant is predicted to result in the amino acid substitution p.Arg3753Gly. This variant was reported in an individual with autosomal dominant polycystic kidney disease (ADPKD) (Kinoshita et al. 2016. PubMed ID: 27835667, Suppl. Table S6). Of note, different substitutions at the same codon have been reported in individuals with autosomal dominant polycystic kidney disease (ADPKD) (p.Arg3753Trp at Chang et al. 2013. PubMed ID: 23985799; p.Arg3753Gln at Rossetti et al. 2007. PubMed ID: 17582161; p.Arg3753Leu at Rossetti et al. 2012. PubMed ID: 22383692). The c.11257C>G (p.Arg3753Gly) variant has not been reported in a large population database, indicating this variant is rare. This variant is interpreted as likely pathogenic.

NM_001009944.3(PKD1):c.11257C>G (p.Arg3753Gly)

Genes: PKD1 (polycystin 1, transient receptor potential channel interacting; minus strand), PKD1-AS1 (PKD1 antisense RNA 1; plus strand). Cytogenetic location: 16p13.3.
Variant type: single nucleotide variant.
Coding change: c.11257C>G on transcript NM_001009944.3 (MANE Select); coding-DNA position 11257, C replaced by G.
Protein change: p.Arg3753Gly; replaces arginine 3753 with glycine.
Molecular consequence: missense variant.
Genome position (GRCh38, 1-based): chr16:2,092,492, G>C on the plus strand (C>G on the coding strand, the complement: PKD1 is on the minus strand). VCF-style: chr16-2092492-G-C. GRCh37 (hg19) VCF-style: chr16-2142493-G-C.
Other names: c.11254C>G, p.Arg3752Gly (NM_000296.4); short protein forms R3752G, R3753G.
Identifiers: ClinVar variation 1803270 (VCV001803270.5), dbSNP rs1167476946, ClinGen allele CA394336138.